The following is an entry in ClinVar:

NM_006231.4(POLE):c.4552-9T>C

Gene: POLE (DNA polymerase epsilon, catalytic subunit; minus strand). Cytogenetic location: 12q24.33.
Variant type: single nucleotide variant.
Coding change: c.4552-9T>C on transcript NM_006231.4 (MANE Select); 9 bases into the intron before coding-DNA position 4552, T replaced by C.
Molecular consequence: intron variant.
Genome position (GRCh38, 1-based): chr12:132,643,005, A>G on the plus strand (T>C on the coding strand, the complement: POLE is on the minus strand). VCF-style: chr12-132643005-A-G. GRCh37 (hg19) VCF-style: chr12-133219591-A-G.
Identifiers: ClinVar variation 473672 (VCV000473672.10), dbSNP rs1432965677, ClinGen allele CA608513897.

ClinVar aggregate classification (germline): Likely benign. Review status: criteria provided, multiple submitters, no conflicts (2 of 4 stars). 2 submissions from 2 submitters: Likely benign (2). Last evaluated 2025-12-09.

Allele frequency attached by ClinVar (database versions not stated): gnomAD exomes below 0.00001; TOPMed 0.00001.
gnomAD v4.1: 2 of 1,582,262 alleles (0.00013%); highest among the groups gnomAD compares: East Asian, 0.0022%; no homozygotes.

Submissions (2):

Labcorp Genetics (formerly Invitae), Labcorp
Classification: Likely benign. Last evaluated: 2025-12-09. Review status: criteria provided, single submitter. Criteria: Invitae Variant Classification Sherloc (09022015). Collection method: clinical testing. Allele origin: germline.

GeneDx
Classification: Likely benign. Last evaluated: 2017-11-21. Review status: criteria provided, single submitter. Criteria: GeneDx Variant Classification (06012015). Collection method: clinical testing. Allele origin: germline. Affected: yes.
Comment: This variant is considered likely benign or benign based on one or more of the following criteria: it is a conservative change, it occurs at a poorly conserved position in the protein, it is predicted to be benign by multiple in silico algorithms, and/or has population frequency not consistent with disease.